The following is an entry in ClinVar:

NM_017654.4(SAMD9):c.2110C>A (p.Pro704Thr)

Gene: SAMD9 (sterile alpha motif domain containing 9; minus strand). Cytogenetic location: 7q21.2.
Variant type: single nucleotide variant.
Coding change: c.2110C>A on transcript NM_017654.4 (MANE Select); coding-DNA position 2110, C replaced by A.
Protein change: p.Pro704Thr; replaces proline 704 with threonine.
Molecular consequence: missense variant.
Genome position (GRCh38, 1-based): chr7:93,103,988, G>T on the plus strand (C>A on the coding strand, the complement: SAMD9 is on the minus strand). VCF-style: chr7-93103988-G-T. GRCh37 (hg19) VCF-style: chr7-92733301-G-T.
Other names: c.2110C>A, p.Pro704Thr (NM_001193307.2); short protein forms P704T.
Identifiers: ClinVar variation 4843110 (VCV004843110.1).

ClinVar aggregate classification (germline): Uncertain significance (1 of 4 stars; one submission).

Conditions:
Inborn genetic diseases. Identifiers: MedGen C0950123, MeSH D030342.

Submission:

Ambry Genetics
Classification: Uncertain significance for Inborn genetic diseases. Last evaluated: 2025-12-20. Review status: criteria provided, single submitter. Criteria: Ambry Variant Classification Scheme 2023. Collection method: clinical testing. Allele origin: germline.
Comment: The p.P704T variant (also known as c.2110C>A), located in coding exon 1 of the SAMD9 gene, results from a C to A substitution at nucleotide position 2110. The proline at codon 704 is replaced by threonine, an amino acid with highly similar properties. This amino acid position is conserved. In addition, this alteration is predicted to be tolerated by in silico analysis. Based on the available evidence, the clinical significance of this variant remains unclear.